The following is an entry in ClinVar:

NM_006267.5(RANBP2):c.6988C>A (p.Gln2330Lys)

Gene: RANBP2 (RAN binding protein 2; plus strand). Cytogenetic location: 2q13.
Variant type: single nucleotide variant.
Coding change: c.6988C>A on transcript NM_006267.5 (MANE Select); coding-DNA position 6988, C replaced by A.
Protein change: p.Gln2330Lys; replaces glutamine 2330 with lysine.
Molecular consequence: missense variant.
Genome position (GRCh38, 1-based): chr2:108,767,527, C>A. VCF-style: chr2-108767527-C-A. GRCh37 (hg19) VCF-style: chr2-109383983-C-A.
Other names: short protein forms Q2330K.
Identifiers: ClinVar variation 647930 (VCV000647930.9), dbSNP rs2693105, ClinGen allele CA1823524.
Genomic context (GRCh38, chr2:108,767,527, plus strand): 5'-TTTGAACCTGTTGTTCCTTTACCTGATCTAGTTGAAGTATCCAGTGGTGAGGAAAATGAA[C>A]AAGTTGTTTTTAGTCACAGGGCAAAACTCTACAGATATGATAAAGATGTTGGTCAATGGA-3'
Protein context (NP_006258.3, residues 2320-2340): VEVSSGEENE[Gln2330Lys]VVFSHRAKLY

ClinVar aggregate classification (germline): Uncertain significance (1 of 4 stars; one submission).

Conditions:
Familial acute necrotizing encephalopathy (IIAE3). Also called: Susceptibility to Acute Necrotizing Encephalopathy 1; ENCEPHALOPATHY, ACUTE, INFECTION-INDUCED, SUSCEPTIBILITY TO, 3. Identifiers: Orphanet 88619, MedGen C2675556, MONDO:0011953, OMIM 608033.

Allele frequency attached by ClinVar (database versions not stated): TOPMed 0.00002; gnomAD 0.00004.
gnomAD v4.1: 25 of 1,611,708 alleles (0.0016%); highest among the groups gnomAD compares: African/African-American, 0.0094%; no homozygotes.

Submission:

Labcorp Genetics (formerly Invitae), Labcorp
Classification: Uncertain significance for Familial acute necrotizing encephalopathy. Last evaluated: 2022-03-23. Review status: criteria provided, single submitter. Criteria: Invitae Variant Classification Sherloc (09022015). Collection method: clinical testing. Allele origin: germline.
Comment: This variant is present in population databases (rs2693105, gnomAD 0.008%). In summary, the available evidence is currently insufficient to determine the role of this variant in disease. Therefore, it has been classified as a Variant of Uncertain Significance. Algorithms developed to predict the effect of missense changes on protein structure and function are either unavailable or do not agree on the potential impact of this missense change (SIFT: "Deleterious"; PolyPhen-2: "Benign"; Align-GVGD: "Class C45"). ClinVar contains an entry for this variant (Variation ID: 647930). This variant has not been reported in the literature in individuals affected with RANBP2-related conditions. This sequence change replaces glutamine, which is neutral and polar, with lysine, which is basic and polar, at codon 2330 of the RANBP2 protein (p.Gln2330Lys).